The following is an entry in ClinVar:

ClinVar aggregate classification (germline): Uncertain significance. Review status: criteria provided, multiple submitters, no conflicts (2 of 4 stars). 2 submissions from 2 submitters: Uncertain significance (2). Last evaluated 2025-03-26.

Conditions:
Inborn genetic diseases. Identifiers: MedGen C0950123, MeSH D030342.
Fanconi anemia (FA). Also called: Fanconi's anemia. Identifiers: Orphanet 84, MedGen C0015625, MeSH D005199, MONDO:0019391.

Submissions (2):

Ambry Genetics
Classification: Uncertain significance for Inborn genetic diseases. Last evaluated: 2025-03-26. Review status: criteria provided, single submitter. Criteria: Ambry Variant Classification Scheme 2023. Collection method: clinical testing. Allele origin: germline.
Comment: The p.L289V variant (also known as c.865C>G), located in coding exon 4 of the FANCM gene, results from a C to G substitution at nucleotide position 865. The leucine at codon 289 is replaced by valine, an amino acid with highly similar properties. This amino acid position is conserved. In addition, this alteration is predicted to be tolerated by in silico analysis. Based on the available evidence, the clinical significance of this variant remains unclear.

Labcorp Genetics (formerly Invitae), Labcorp
Classification: Uncertain significance for Fanconi anemia. Last evaluated: 2018-11-29. Review status: criteria provided, single submitter. Criteria: Invitae Variant Classification Sherloc (09022015). Collection method: clinical testing. Allele origin: germline.
Comment: Algorithms developed to predict the effect of missense changes on protein structure and function output the following: SIFT: "Tolerated"; PolyPhen-2: "Benign"; Align-GVGD: "Class C0". The valine amino acid residue is found in multiple mammalian species, suggesting that this missense change does not adversely affect protein function. These predictions have not been confirmed by published functional studies and their clinical significance is uncertain. Algorithms developed to predict the effect of sequence changes on RNA splicing suggest that this variant may create or strengthen a splice site, but this prediction has not been confirmed by published transcriptional studies. In summary, the available evidence is currently insufficient to determine the role of this variant in disease. Therefore, it has been classified as a Variant of Uncertain Significance. This variant has not been reported in the literature in individuals with FANCM-related conditions. This variant is not present in population databases (ExAC no frequency). This sequence change replaces leucine with valine at codon 289 of the FANCM protein (p.Leu289Val). The leucine residue is weakly conserved and there is a small physicochemical difference between leucine and valine.

NM_020937.4(FANCM):c.865C>G (p.Leu289Val)

Gene: FANCM (FA complementation group M; plus strand). Cytogenetic location: 14q21.2.
Variant type: single nucleotide variant.
Coding change: c.865C>G on transcript NM_020937.4 (MANE Select); coding-DNA position 865, C replaced by G.
Protein change: p.Leu289Val; replaces leucine 289 with valine.
Molecular consequence: missense variant.
Genome position (GRCh38, 1-based): chr14:45,148,942, C>G. VCF-style: chr14-45148942-C-G. GRCh37 (hg19) VCF-style: chr14-45618145-C-G.
Other names: c.787C>G, p.Leu263Val (NM_001308133.2); c.865C>G, p.Leu289Val (NM_001308134.2); short protein forms L263V, L289V.
Identifiers: ClinVar variation 648488 (VCV000648488.9), dbSNP rs1594766833, ClinGen allele CA389590087.